The following is an entry in ClinVar:

ClinVar aggregate classification (germline): Benign/Likely benign. Review status: criteria provided, multiple submitters, no conflicts (2 of 4 stars). 5 submissions from 5 submitters: Benign (4); Likely benign (1). Last evaluated 2026-02-03.

Allele frequency attached by ClinVar (database versions not stated): ESP Exome Variant Server 0.06739; ExAC 0.08296; gnomAD 0.08722 and 0.08757; gnomAD exomes 0.08873; TOPMed 0.10205; 1000 Genomes Project 0.11921; 1000 Genomes Project 30x 0.12414.
gnomAD v4.1: 87,402 of 1,601,638 alleles (5.5%); highest among the groups gnomAD compares: Admixed American, 24%; 4,711 homozygotes.

Submissions (5):

Labcorp Genetics (formerly Invitae), Labcorp
Classification: Benign. Last evaluated: 2026-02-03. Review status: criteria provided, single submitter. Criteria: Invitae Variant Classification Sherloc (09022015). Collection method: clinical testing. Allele origin: germline.

Blueprint Genetics
Classification: Likely benign. Last evaluated: 2024-11-26. Review status: criteria provided, single submitter. Criteria: ACMG Guidelines, 2015. Collection method: clinical testing. Allele origin: germline.

Mayo Clinic Laboratories, Mayo Clinic
Classification: Benign. Last evaluated: 2022-10-07. Review status: criteria provided, single submitter. Criteria: ACMG Guidelines, 2015. Collection method: clinical testing. Allele origin: germline. Observed: 33 variant alleles.
Comment: BA1, BP4

GeneDx
Classification: Benign. Last evaluated: 2019-02-28. Review status: criteria provided, single submitter. Criteria: GeneDx Variant Classification Process June 2021. Collection method: clinical testing. Allele origin: germline. Affected: yes.
Comment: This variant is associated with the following publications: (PMID: 22530801)

Breakthrough Genomics
Classification: Benign. Review status: criteria provided, single submitter. Criteria: ACMG Guidelines, 2015. Collection method: not provided. Allele origin: germline. Inheritance: Autosomal dominant inheritance. Affected: yes.

NM_005612.5(REST):c.1876G>A (p.Val626Ile)

Gene: REST (RE1 silencing transcription factor; plus strand). Cytogenetic location: 4q12.
Variant type: single nucleotide variant.
Coding change: c.1876G>A on transcript NM_005612.5 (MANE Select); coding-DNA position 1876, G replaced by A.
Protein change: p.Val626Ile; replaces valine 626 with isoleucine.
Molecular consequence: missense variant.
Genome position (GRCh38, 1-based): chr4:56,930,734, G>A. VCF-style: chr4-56930734-G-A. GRCh37 (hg19) VCF-style: chr4-57796900-G-A.
Other names: p.Val626Ile; c.1876G>A, p.Val626Ile (NM_001193508.2, NM_001363453.3); short protein forms V626I.
Identifiers: ClinVar variation 1166565 (VCV001166565.14), dbSNP rs2228991, ClinGen allele CA2932339.